The following is an entry in ClinVar:

NM_003051.4(SLC16A1):c.1024G>A (p.Val342Met)

Gene: SLC16A1 (solute carrier family 16 member 1; minus strand). Cytogenetic location: 1p13.2.
Variant type: single nucleotide variant.
Coding change: c.1024G>A on transcript NM_003051.4 (MANE Select); coding-DNA position 1024, G replaced by A.
Protein change: p.Val342Met; replaces valine 342 with methionine.
Molecular consequence: missense variant.
Genome position (GRCh38, 1-based): chr1:112,917,382, C>T on the plus strand (G>A on the coding strand, the complement: SLC16A1 is on the minus strand). VCF-style: chr1-112917382-C-T. GRCh37 (hg19) VCF-style: chr1-113460004-C-T.
Other names: c.1024G>A, p.Val342Met (NM_001166496.2); short protein forms V342M.
Identifiers: ClinVar variation 3613884 (VCV003613884.2).

ClinVar aggregate classification (germline): Uncertain significance (1 of 4 stars; one submission).

gnomAD v4.1: 2 of 1,614,110 alleles (0.00012%); highest among the groups gnomAD compares: African/African-American, 0.0027%; no homozygotes.

Submission:

Labcorp Genetics (formerly Invitae), Labcorp
Classification: Uncertain significance. Last evaluated: 2024-08-15. Review status: criteria provided, single submitter. Criteria: Invitae Variant Classification Sherloc (09022015). Collection method: clinical testing. Allele origin: germline.
Comment: This sequence change replaces valine, which is neutral and non-polar, with methionine, which is neutral and non-polar, at codon 342 of the SLC16A1 protein (p.Val342Met). This variant is present in population databases (no rsID available, gnomAD 0.007%). This variant has not been reported in the literature in individuals affected with SLC16A1-related conditions. An algorithm developed to predict the effect of missense changes on protein structure and function (PolyPhen-2) suggests that this variant is likely to be tolerated. In summary, the available evidence is currently insufficient to determine the role of this variant in disease. Therefore, it has been classified as a Variant of Uncertain Significance.